The following is an entry in ClinVar:

ClinVar aggregate classification (germline): Uncertain significance (1 of 4 stars; one submission).

Conditions:
Neuroblastoma, susceptibility to, 3. Also called: ALK-Related Neuroblastic Tumor Susceptibility. Identifiers: Orphanet 635, MedGen C2751681, MONDO:0013083, OMIM 613014.

Submission:

Labcorp Genetics (formerly Invitae), Labcorp
Classification: Uncertain significance for Neuroblastoma, susceptibility to, 3. Last evaluated: 2023-05-23. Review status: criteria provided, single submitter. Criteria: Invitae Variant Classification Sherloc (09022015). Collection method: clinical testing. Allele origin: germline.
Comment: In summary, the available evidence is currently insufficient to determine the role of this variant in disease. Therefore, it has been classified as a Variant of Uncertain Significance. An algorithm developed to predict the effect of missense changes on protein structure and function (PolyPhen-2) suggests that this variant is likely to be disruptive. This variant has not been reported in the literature in individuals affected with ALK-related conditions. This variant is not present in population databases (gnomAD no frequency). This sequence change replaces valine, which is neutral and non-polar, with phenylalanine, which is neutral and non-polar, at codon 956 of the ALK protein (p.Val956Phe).

NM_004304.5(ALK):c.2866G>T (p.Val956Phe)

Gene: ALK (ALK receptor tyrosine kinase; minus strand). Cytogenetic location: 2p23.2.
Variant type: single nucleotide variant.
Coding change: c.2866G>T on transcript NM_004304.5 (MANE Select); coding-DNA position 2866, G replaced by T.
Protein change: p.Val956Phe; replaces valine 956 with phenylalanine.
Molecular consequence: missense variant.
Genome position (GRCh38, 1-based): chr2:29,227,622, C>A on the plus strand (G>T on the coding strand, the complement: ALK is on the minus strand). VCF-style: chr2-29227622-C-A. GRCh37 (hg19) VCF-style: chr2-29450488-C-A.
Other names: short protein forms V956F.
Identifiers: ClinVar variation 2956105 (VCV002956105.3), dbSNP rs769837053, ClinGen allele CA346468555.